The following is an entry in ClinVar:

ClinVar aggregate classification (germline): Pathogenic/Likely pathogenic. Review status: criteria provided, multiple submitters, no conflicts (2 of 4 stars). 2 submissions from 2 submitters: Pathogenic (1); Likely pathogenic (1). Last evaluated 2026-03-26.

Conditions:
Familial thoracic aortic aneurysm and aortic dissection (TAAD). Also called: Thoracic aortic aneurysms and dissections. Identifiers: Orphanet 91387, MedGen C4707243, MONDO:0019625.
Ehlers-Danlos syndrome, type 4 (EDSVASC). Also called: Ehlers-Danlos Syndrome Type IV; Ehlers-Danlos syndrome vascular type; Ehlers Danlos syndrome, ecchymotic type; Ehlers Danlos syndrome, arterial type; Ehlers Danlos syndrome, Sack-Barabas type. Identifiers: Orphanet 286, MedGen C0268338, MONDO:0017314, OMIM 130050.

Submissions (2):

Ambry Genetics
Classification: Likely pathogenic for Familial thoracic aortic aneurysm and aortic dissection. Last evaluated: 2026-03-26. Review status: criteria provided, single submitter. Criteria: Ambry Variant Classification Scheme 2023. Collection method: clinical testing. Allele origin: germline.
Comment: The p.G999D variant (also known as c.2996G>A), located in coding exon 41 of the COL3A1 gene, results from a G to A substitution at nucleotide position 2996. The glycine at codon 999 is replaced by aspartic acid, an amino acid with similar properties. The majority (approximately two-thirds) of COL3A1 mutations identified to date have involved the substitution of another amino acid for glycine within the triple-helical domain (Pepin MG et al. Genet Med. 2014;16(12):881-8; Frank M et al. Eur J Hum Genet. 2015;23(12):1657-64). This variant was reported in individual(s) with features consistent with COL3A1-related Ehlers-Danlos syndrome; in at least one individual, it was determined to be de novo (Sa YJ et al. Surg Today, 2013 Dec;43:1467-9; Ruggeri P et al. Respir Med Case Rep, 2015 Dec;14:40-2). Internal structural analysis indicates that this alteration disrupts the characteristic G-X-Y motif in the COL3A1 protein and inserts a bulky side chain into a sterically-constrained region (Bella J et al. Science. 1994;266:75-81; Hohenester E et al. Proc. Natl. Acad. Sci. U.S.A. 2008;105:18273-7; Ambry internal data). This amino acid position is highly conserved in available vertebrate species. In addition, this alteration is predicted to be deleterious by in silico analysis. This variant is considered to be rare based on population cohorts in the Genome Aggregation Database (gnomAD). Based on the majority of available evidence to date, this variant is likely to be pathogenic.

Labcorp Genetics (formerly Invitae), Labcorp
Classification: Pathogenic for Ehlers-Danlos syndrome, type 4. Last evaluated: 2023-01-04. Review status: criteria provided, single submitter. Criteria: Invitae Variant Classification Sherloc (09022015). Collection method: clinical testing. Allele origin: germline.
Comment: For these reasons, this variant has been classified as Pathogenic. This variant disrupts the triple helix domain of COL3A1. Glycine residues within the Gly-Xaa-Yaa repeats of the triple helix domain are required for the structure and stability of fibrillar collagens (PMID: 7695699, 8218237, 19344236). In COL3A1, variants that affect these glycine residues are significantly enriched in individuals with disease (PMID: 24922459, 25758994) compared to the general population (ExAC). Advanced modeling of protein sequence and biophysical properties (such as structural, functional, and spatial information, amino acid conservation, physicochemical variation, residue mobility, and thermodynamic stability) performed at Invitae indicates that this missense variant is expected to disrupt COL3A1 protein function. This missense change has been observed in individual(s) with clinical features of autosomal dominant vascular Ehlers-Danlos syndrome (PMID: 23052746). In at least one individual the variant was observed to be de novo. This variant is not present in population databases (gnomAD no frequency). This sequence change replaces glycine, which is neutral and non-polar, with aspartic acid, which is acidic and polar, at codon 999 of the COL3A1 protein (p.Gly999Asp).

Literature cited by the submitters: PubMed 23052746 (cited by Ambry Genetics and Labcorp Genetics (formerly Invitae), Labcorp); PubMed 26029576 (cited by Ambry Genetics); PubMed 7695699 (cited by Labcorp Genetics (formerly Invitae), Labcorp); PubMed 8218237 (cited by Labcorp Genetics (formerly Invitae), Labcorp); PubMed 19344236 (cited by Labcorp Genetics (formerly Invitae), Labcorp); PubMed 24922459 (cited by Labcorp Genetics (formerly Invitae), Labcorp); PubMed 25758994 (cited by Labcorp Genetics (formerly Invitae), Labcorp).

NM_000090.4(COL3A1):c.2996G>A (p.Gly999Asp)

Gene: COL3A1 (collagen type III alpha 1 chain; plus strand). Cytogenetic location: 2q32.2.
Variant type: single nucleotide variant.
Coding change: c.2996G>A on transcript NM_000090.4 (MANE Select); coding-DNA position 2996, G replaced by A.
Protein change: p.Gly999Asp; replaces glycine 999 with aspartic acid.
Molecular consequence: missense variant.
Genome position (GRCh38, 1-based): chr2:189,005,414, G>A. VCF-style: chr2-189005414-G-A. GRCh37 (hg19) VCF-style: chr2-189870140-G-A.
Other names: short protein forms G999D.
Identifiers: ClinVar variation 2734350 (VCV002734350.4), dbSNP rs1085307964, ClinGen allele CA349844796.